The following is an entry in ClinVar:

ClinVar aggregate classification (germline): Pathogenic (1 of 4 stars; one submission).

Conditions:
Junctional epidermolysis bullosa. Identifiers: Orphanet 305, MedGen C0079301, MONDO:0017612.

Submission:

Women's Health and Genetics/Laboratory Corporation of America, LabCorp
Classification: Pathogenic for Junctional epidermolysis bullosa. Last evaluated: 2025-12-19. Review status: criteria provided, single submitter. Criteria: LabCorp Variant Classification Summary - May 2015. Collection method: clinical testing. Allele origin: germline.
Comment: Variant summary: LAMB3 c.1201_1202dupTG (p.Lys402AlafsX109) results in a premature termination codon, predicted to cause a truncation of the encoded protein or absence of the protein due to nonsense mediated decay, which are commonly known mechanisms for disease. The variant was absent in 210832 control chromosomes. To our knowledge, no occurrence of c.1201_1202dupTG in individuals affected with LAMB3-related conditions and no experimental evidence demonstrating its impact on protein function have been reported. No submitters have cited clinical-significance assessments for this variant to ClinVar. Based on the evidence outlined above, the variant was classified as pathogenic.

NM_000228.3(LAMB3):c.1201_1202dup (p.Lys402fs)

Gene: LAMB3 (laminin subunit beta 3; minus strand). Cytogenetic location: 1q32.2.
Variant type: Microsatellite.
Coding change: c.1201_1202dup on transcript NM_000228.3 (MANE Select); coding-DNA positions 1201 to 1202, 2 bases duplicated (TG; older notation c.1201_1202dupTG).
Protein change: p.Lys402fs; shifts the reading frame from lysine 402.
Molecular consequence: frameshift variant.
Genome position (GRCh38, 1-based): chr1:209,628,121-209,628,122, CA duplicated on the plus strand (TG on the coding strand, the reverse complement: LAMB3 is on the minus strand); duplicating any 2 consecutive bases within chr1:209,628,121-209,628,129 gives the same sequence; the c. name uses the placement nearest the transcript's 3' end. VCF-style (leftmost placement, unchanged base first): chr1-209628120-G-GCA. GRCh37 (hg19) VCF-style: chr1-209801465-G-GCA.
Other names: c.1201_1202dup, p.Lys402fs (NM_001017402.2, NM_001127641.1); c.1201_1202dupTG (NM_000228.3); short protein forms K402fs.
Identifiers: ClinVar variation 4688202 (VCV004688202.1).